The following is an entry in ClinVar:

NM_001253697.2(ERBIN):c.1921G>C (p.Asp641His)

Gene: ERBIN (erbb2 interacting protein; plus strand). Cytogenetic location: 5q12.3.
Variant type: single nucleotide variant.
Coding change: c.1921G>C on transcript NM_001253697.2 (MANE Select); coding-DNA position 1921, G replaced by C.
Protein change: p.Asp641His; replaces aspartic acid 641 with histidine.
Molecular consequence: missense variant.
Genome position (GRCh38, 1-based): chr5:66,050,800, G>C. VCF-style: chr5-66050800-G-C. GRCh37 (hg19) VCF-style: chr5-65346628-G-C.
Other names: c.1921G>C, p.Asp641His (NM_001006600.3, NM_001253698.2, NM_001253699.2 and 1 more transcripts); c.1909G>C, p.Asp637His (NM_001253701.2); short protein forms D641H, D637H.
Identifiers: ClinVar variation 2802465 (VCV002802465.3), dbSNP rs1161758511, ClinGen allele CA359863736.

ClinVar aggregate classification (germline): Uncertain significance (1 of 4 stars; one submission).

Allele frequency attached by ClinVar (database versions not stated): gnomAD exomes below 0.00001; gnomAD 0.00001; TOPMed 0.00002.
gnomAD v4.1: 2 of 1,553,928 alleles (0.00013%); highest among the groups gnomAD compares: Non-Finnish European, 0.00017%; no homozygotes.

Submission:

Labcorp Genetics (formerly Invitae), Labcorp
Classification: Uncertain significance. Last evaluated: 2024-01-09. Review status: criteria provided, single submitter. Criteria: Invitae Variant Classification Sherloc (09022015). Collection method: clinical testing. Allele origin: germline.
Comment: This sequence change replaces aspartic acid, which is acidic and polar, with histidine, which is basic and polar, at codon 641 of the ERBIN protein (p.Asp641His). This variant is not present in population databases (gnomAD no frequency). This variant has not been reported in the literature in individuals affected with ERBIN-related conditions. An algorithm developed to predict the effect of missense changes on protein structure and function (PolyPhen-2) suggests that this variant is likely to be disruptive. In summary, the available evidence is currently insufficient to determine the role of this variant in disease. Therefore, it has been classified as a Variant of Uncertain Significance.